The following is an entry in ClinVar:

NM_000397.4(CYBB):c.45+1G>T

Genes: CYBB (cytochrome b-245 beta chain; plus strand), LOC130068093 (ATAC-STARR-seq lymphoblastoid active region 29519; plus strand). Cytogenetic location: Xp21.1.
Variant type: single nucleotide variant.
Coding change: c.45+1G>T on transcript NM_000397.4 (MANE Select); the canonical splice donor site of the intron after coding-DNA position 45, G replaced by T.
Molecular consequence: splice donor variant.
Genome position (GRCh38, 1-based): chrX:37,780,123, G>T. VCF-style: chrX-37780123-G-T. GRCh37 (hg19) VCF-style: chrX-37639376-G-T.
Identifiers: ClinVar variation 2737182 (VCV002737182.3), dbSNP rs2519189282, ClinGen allele CA412972070.

ClinVar aggregate classification (germline): Pathogenic (1 of 4 stars; one submission).

Conditions:
Granulomatous disease, chronic, X-linked. Also called: GRANULOMATOUS DISEASE, CHRONIC, X-LINKED, SOMATIC MOSAIC; CYTOCHROME b-NEGATIVE GRANULOMATOUS DISEASE, CHRONIC, X-LINKED. Identifiers: Orphanet 379, MedGen C1844376, MONDO:0010600, OMIM 306400.

Submission:

Labcorp Genetics (formerly Invitae), Labcorp
Classification: Pathogenic for Granulomatous disease, chronic, X-linked. Last evaluated: 2023-06-02. Review status: criteria provided, single submitter. Criteria: Invitae Variant Classification Sherloc (09022015). Collection method: clinical testing. Allele origin: germline.
Comment: Disruption of this splice site has been observed in individuals with chronic granulomatous disease (PMID: 20228266, 20729109, 29560547, 35140711). This variant is not present in population databases (gnomAD no frequency). This sequence change affects a donor splice site in intron 1 of the CYBB gene. It is expected to disrupt RNA splicing. Variants that disrupt the donor or acceptor splice site typically lead to a loss of protein function (PMID: 16199547), and loss-of-function variants in CYBB are known to be pathogenic (PMID: 9585602, 20729109). For these reasons, this variant has been classified as Pathogenic. Algorithms developed to predict the effect of sequence changes on RNA splicing suggest that this variant may disrupt the consensus splice site.

Literature cited by the submitters: PubMed 20228266; PubMed 20729109; PubMed 29560547; PubMed 35140711; PubMed 16199547; PubMed 9585602.